The following is an entry in ClinVar:

ClinVar aggregate classification (germline): Likely benign. Review status: criteria provided, multiple submitters, no conflicts (2 of 4 stars). 2 submissions from 2 submitters: Likely benign (2). Last evaluated 2026-04-01.

Allele frequency attached by ClinVar (database versions not stated): ExAC 0.00004; TOPMed 0.00004; gnomAD 0.00005; 1000 Genomes Project 0.00020; 1000 Genomes Project 30x 0.00031.
gnomAD v4.1: 37 of 1,608,424 alleles (0.0023%); highest among the groups gnomAD compares: Middle Eastern, 0.039%; no homozygotes.

Submissions (2):

CeGaT Center for Human Genetics Tuebingen
Classification: Likely benign. Last evaluated: 2026-04-01. Review status: criteria provided, single submitter. Criteria: CeGaT Center For Human Genetics Tuebingen Variant Classification Criteria Version 2. Collection method: clinical testing. Allele origin: germline. Affected: yes. Observed: 2 variant alleles.
Comment: CUX2: BP4, BP7

Blueprint Genetics
Classification: Likely benign. Last evaluated: 2024-10-28. Review status: criteria provided, single submitter. Criteria: ACMG Guidelines, 2015. Collection method: clinical testing. Allele origin: germline.

NM_015267.4(CUX2):c.477C>T (p.Thr159=)

Gene: CUX2 (cut like homeobox 2; plus strand). Cytogenetic location: 12q24.11.
Variant type: single nucleotide variant.
Coding change: c.477C>T on transcript NM_015267.4 (MANE Select); coding-DNA position 477, C replaced by T.
Protein change: p.Thr159=; no amino-acid change (threonine 159 retained).
Molecular consequence: synonymous variant.
Genome position (GRCh38, 1-based): chr12:111,293,486, C>T. VCF-style: chr12-111293486-C-T. GRCh37 (hg19) VCF-style: chr12-111731290-C-T.
Other names: c.291C>T, p.Thr97= (NM_001370598.1).
Identifiers: ClinVar variation 3250717 (VCV003250717.19), dbSNP rs543725859.